The following is an entry in ClinVar:

ClinVar aggregate classification (germline): Uncertain significance (1 of 4 stars; one submission).

Conditions:
TTC21B-related disorder. Also called: TTC21B-related condition; TTC21B-related disorders.

Submission:

PreventionGenetics, part of Exact Sciences
Classification: Uncertain significance for TTC21B-related condition. Last evaluated: 2026-01-14. Review status: criteria provided, single submitter. Criteria: ACMG Guidelines, 2015. Collection method: clinical testing. Allele origin: germline.
Comment: The TTC21B c.1390G>A variant is predicted to result in the amino acid substitution p.Ala464Thr. To our knowledge, this variant has not been reported in the literature. This variant is reported in 0.0018% of alleles in individuals of European (Non-Finnish) descent in gnomAD. At this time, the clinical significance of this variant is uncertain due to the absence of conclusive functional and genetic evidence.

NM_024753.5(TTC21B):c.1390G>A (p.Ala464Thr)

Gene: TTC21B (tetratricopeptide repeat domain 21B; minus strand). Cytogenetic location: 2q24.3.
Variant type: single nucleotide variant.
Coding change: c.1390G>A on transcript NM_024753.5 (MANE Select); coding-DNA position 1390, G replaced by A.
Protein change: p.Ala464Thr; replaces alanine 464 with threonine.
Molecular consequence: missense variant.
Genome position (GRCh38, 1-based): chr2:165,924,675, C>T on the plus strand (G>A on the coding strand, the complement: TTC21B is on the minus strand). VCF-style: chr2-165924675-C-T. GRCh37 (hg19) VCF-style: chr2-166781185-C-T.
Other names: short protein forms A464T.
Identifiers: ClinVar variation 4984304 (VCV004984304.1).